The following is an entry in ClinVar:

ClinVar aggregate classification (germline): Uncertain significance. Review status: criteria provided, multiple submitters, no conflicts (2 of 4 stars). 3 submissions from 3 submitters: Uncertain significance (3). Last evaluated 2023-12-06.

Conditions:
Cardiomyopathy (CMYO). Also called: Cardiomyopathies. Identifiers: Orphanet 167848, MedGen C0878544, MONDO:0004994, HP:0001638. Inheritance: Various modes of inheritance.
Hypertrophic cardiomyopathy. Also called: HYPERTROPHIC MYOCARDIOPATHY. Identifiers: Orphanet 217569, MedGen C0007194, MeSH D002312, MONDO:0005045, HP:0001639.

gnomAD v4.1: 2 of 1,614,216 alleles (0.00012%); highest among the groups gnomAD compares: Non-Finnish European, 0.00017%; no homozygotes.

Submissions (3):

Color Diagnostics, LLC DBA Color Health
Classification: Uncertain significance for Cardiomyopathy. Last evaluated: 2023-12-06. Review status: criteria provided, single submitter. Criteria: ACMG Guidelines, 2015. Collection method: clinical testing. Allele origin: germline.
Comment: This missense variant replaces serine with tyrosine at codon 53 of the MYH7 protein. Computational prediction tools indicate that this variant's impact on protein structure and function is inconclusive. To our knowledge, functional studies have not been reported for this variant. This variant has been reported in at least one individual affected with dilated cardiomyopathy (PMID: 37904629). This variant has not been identified in the general population by the Genome Aggregation Database (gnomAD). The available evidence is insufficient to determine the role of this variant in disease conclusively. Therefore, this variant is classified as a Variant of Uncertain Significance.

Labcorp Genetics (formerly Invitae), Labcorp
Classification: Uncertain significance for Hypertrophic cardiomyopathy. Last evaluated: 2021-08-28. Review status: criteria provided, single submitter. Criteria: Invitae Variant Classification Sherloc (09022015). Collection method: clinical testing. Allele origin: germline.
Comment: This sequence change replaces serine with tyrosine at codon 53 of the MYH7 protein (p.Ser53Tyr). The serine residue is moderately conserved and there is a large physicochemical difference between serine and tyrosine. This variant is not present in population databases (ExAC no frequency). This variant has not been reported in the literature in individuals affected with MYH7-related conditions. ClinVar contains an entry for this variant (Variation ID: 925949). Algorithms developed to predict the effect of missense changes on protein structure and function are either unavailable or do not agree on the potential impact of this missense change (SIFT: "Deleterious"; PolyPhen-2: "Probably Damaging"; Align-GVGD: "Class C0"). In summary, the available evidence is currently insufficient to determine the role of this variant in disease. Therefore, it has been classified as a Variant of Uncertain Significance.

CHEO Genetics Diagnostic Laboratory, Children's Hospital of Eastern Ontario
Classification: Uncertain significance for Cardiomyopathy. Last evaluated: 2020-07-09. Review status: criteria provided, single submitter. Criteria: ACMG Guidelines, 2015. Collection method: clinical testing. Allele origin: germline.

Literature cited by the submitters: PubMed 37904629 (cited by Color Diagnostics, LLC DBA Color Health).

NM_000257.4(MYH7):c.158C>A (p.Ser53Tyr)

Gene: MYH7 (myosin heavy chain 7; minus strand). Cytogenetic location: 14q11.2.
Variant type: single nucleotide variant.
Coding change: c.158C>A on transcript NM_000257.4 (MANE Select); coding-DNA position 158, C replaced by A.
Protein change: p.Ser53Tyr; replaces serine 53 with tyrosine.
Molecular consequence: missense variant.
Genome position (GRCh38, 1-based): chr14:23,433,575, G>T on the plus strand (C>A on the coding strand, the complement: MYH7 is on the minus strand). VCF-style: chr14-23433575-G-T. GRCh37 (hg19) VCF-style: chr14-23902784-G-T.
Other names: short protein forms S53Y.
Identifiers: ClinVar variation 925949 (VCV000925949.8), dbSNP rs1893034734, ClinGen allele CA389053708.